The following is an entry in ClinVar:

NM_005276.4(GPD1):c.83A>G (p.Gln28Arg)

Gene: GPD1 (glycerol-3-phosphate dehydrogenase 1; plus strand). Cytogenetic location: 12q13.12.
Variant type: single nucleotide variant.
Coding change: c.83A>G on transcript NM_005276.4 (MANE Select); coding-DNA position 83, A replaced by G.
Protein change: p.Gln28Arg; replaces glutamine 28 with arginine.
Molecular consequence: missense variant.
Genome position (GRCh38, 1-based): chr12:50,104,615, A>G. VCF-style: chr12-50104615-A-G. GRCh37 (hg19) VCF-style: chr12-50498398-A-G.
Other names: c.83A>G, p.Gln28Arg (NM_001257199.2); short protein forms Q28R.
Identifiers: ClinVar variation 1494730 (VCV001494730.8), dbSNP rs948323715, ClinGen allele CA236736393.
Genomic context (GRCh38, chr12:50,104,615, plus strand): 5'-GTGCTCCCCCTCCCACCAGGGGCTCAGCCATCGCCAAGATCGTGGGTGGCAATGCAGCCC[A>G]GCTGGCACAGTTTGACCCACGGGTGACCATGTGGGTATTTGAGGAAGACATTGGAGGCAA-3'
Protein context (NP_005267.2, residues 18-38): IAKIVGGNAA[Gln28Arg]LAQFDPRVTM

ClinVar aggregate classification (germline): Uncertain significance (1 of 4 stars; one submission).

Allele frequency attached by ClinVar (database versions not stated): gnomAD exomes below 0.00001; TOPMed below 0.00001.
gnomAD v4.1: 1 of 1,614,024 alleles (0.000062%); highest among the groups gnomAD compares: African/African-American, 0.0013%; no homozygotes.

Submission:

Labcorp Genetics (formerly Invitae), Labcorp
Classification: Uncertain significance. Last evaluated: 2021-06-09. Review status: criteria provided, single submitter. Criteria: Invitae Variant Classification Sherloc (09022015). Collection method: clinical testing. Allele origin: germline.
Comment: In summary, the available evidence is currently insufficient to determine the role of this variant in disease. Therefore, it has been classified as a Variant of Uncertain Significance. Algorithms developed to predict the effect of missense changes on protein structure and function output the following: SIFT: "Tolerated"; PolyPhen-2: "Benign"; Align-GVGD: "Class C0". The arginine amino acid residue is found in multiple mammalian species, suggesting that this missense change does not adversely affect protein function. These predictions have not been confirmed by published functional studies and their clinical significance is uncertain. This variant has not been reported in the literature in individuals with GPD1-related conditions. This variant is not present in population databases (ExAC no frequency). This sequence change replaces glutamine with arginine at codon 28 of the GPD1 protein (p.Gln28Arg). The glutamine residue is moderately conserved and there is a small physicochemical difference between glutamine and arginine.